The following is an entry in ClinVar:

ClinVar aggregate classification (germline): Benign/Likely benign. Review status: criteria provided, multiple submitters, no conflicts (2 of 4 stars). 2 submissions from 2 submitters: Benign (1); Likely benign (1). Last evaluated 2026-03-05.

Conditions:
OPA1-related disorder. Also called: OPA1-related disorders; OPA1-related condition.

Allele frequency attached by ClinVar (database versions not stated): gnomAD exomes 0.00001 and 0.00002; ExAC 0.00002; gnomAD 0.00003; TOPMed 0.00005.
gnomAD v4.1: 16 of 1,613,166 alleles (0.00099%); highest among the groups gnomAD compares: African/African-American, 0.008%; no homozygotes.

Submissions (2):

PreventionGenetics, part of Exact Sciences
Classification: Likely benign for OPA1-related condition. Last evaluated: 2026-03-05. Review status: criteria provided, single submitter. Criteria: ACMG Guidelines, 2015. Collection method: clinical testing. Allele origin: germline.
Comment: This variant is classified as likely benign based on ACMG/AMP sequence variant interpretation guidelines (Richards et al. 2015 PMID: 25741868, with internal and published modifications).

Labcorp Genetics (formerly Invitae), Labcorp
Classification: Benign. Last evaluated: 2025-12-03. Review status: criteria provided, single submitter. Criteria: Invitae Variant Classification Sherloc (09022015). Collection method: clinical testing. Allele origin: germline.

NM_130837.3(OPA1):c.618G>A (p.Pro206=)

Genes: OPA1 (OPA1 mitochondrial dynamin like GTPase; plus strand), OPA1-AS1 (OPA1 antisense RNA 1; minus strand). Cytogenetic location: 3q29.
Variant type: single nucleotide variant.
Coding change: c.618G>A on transcript NM_130837.3 (MANE Select); coding-DNA position 618, G replaced by A.
Protein change: p.Pro206=; no amino-acid change (proline 206 retained).
Molecular consequence: synonymous variant. On other transcripts: non-coding transcript variant (1).
Genome position (GRCh38, 1-based): chr3:193,618,876, G>A. VCF-style: chr3-193618876-G-A. GRCh37 (hg19) VCF-style: chr3-193336665-G-A.
Other names: c.618G>A (NM_130837.2); c.84G>A, p.Pro28= (NM_001354663.2); c.192G>A, p.Pro64= (NM_001354664.2); c.564G>A, p.Pro188= (NM_015560.3, NM_130836.3); c.456G>A, p.Pro152= (NM_130831.3, NM_130833.3); c.510G>A, p.Pro170= (NM_130832.3, NM_130835.3); c.618G>A, p.Pro206= (NM_130834.3).
Identifiers: ClinVar variation 1416463 (VCV001416463.7), dbSNP rs775620290, ClinGen allele CA2759083.